The following is an entry in ClinVar:

NM_004370.6(COL12A1):c.8040A>G (p.Ile2680Met)

Gene: COL12A1 (collagen type XII alpha 1 chain; minus strand). Cytogenetic location: 6q13.
Variant type: single nucleotide variant.
Coding change: c.8040A>G on transcript NM_004370.6 (MANE Select); coding-DNA position 8040, A replaced by G.
Protein change: p.Ile2680Met; replaces isoleucine 2680 with methionine.
Molecular consequence: missense variant.
Genome position (GRCh38, 1-based): chr6:75,109,078, T>C on the plus strand (A>G on the coding strand, the complement: COL12A1 is on the minus strand). VCF-style: chr6-75109078-T-C. GRCh37 (hg19) VCF-style: chr6-75818794-T-C.
Other names: c.4548A>G, p.Ile1516Met (NM_080645.3); short protein forms I2680M, I1516M.
Identifiers: ClinVar variation 837069 (VCV000837069.10), dbSNP rs1167733175, ClinGen allele CA364741583.

ClinVar aggregate classification (germline): Uncertain significance (1 of 4 stars; one submission).

Conditions:
Ullrich congenital muscular dystrophy 2 (UCMD2). Identifiers: Orphanet 75840, MedGen C4225314, MONDO:0014654, OMIM 616470.
Bethlem myopathy 2 (BTHLM2). Identifiers: Orphanet 536516, Orphanet 610, MedGen C4225313, MONDO:0034022, OMIM 616471.

Allele frequency attached by ClinVar (database versions not stated): gnomAD exomes below 0.00001; TOPMed 0.00001.
gnomAD v4.1: 1 of 1,612,676 alleles (0.000062%); highest among the groups gnomAD compares: Admixed American, 0.0017%; no homozygotes.

Submission:

Labcorp Genetics (formerly Invitae), Labcorp
Classification: Uncertain significance for Bethlem myopathy 2; Ullrich congenital muscular dystrophy 2. Last evaluated: 2024-12-10. Review status: criteria provided, single submitter. Criteria: Invitae Variant Classification Sherloc (09022015). Collection method: clinical testing. Allele origin: germline.
Comment: This sequence change replaces isoleucine, which is neutral and non-polar, with methionine, which is neutral and non-polar, at codon 2680 of the COL12A1 protein (p.Ile2680Met). This variant is present in population databases (no rsID available, gnomAD 0.003%). This variant has not been reported in the literature in individuals affected with COL12A1-related conditions. ClinVar contains an entry for this variant (Variation ID: 837069). Invitae Evidence Modeling of protein sequence and biophysical properties (such as structural, functional, and spatial information, amino acid conservation, physicochemical variation, residue mobility, and thermodynamic stability) indicates that this missense variant is not expected to disrupt COL12A1 protein function with a negative predictive value of 80%. In summary, the available evidence is currently insufficient to determine the role of this variant in disease. Therefore, it has been classified as a Variant of Uncertain Significance.